The following is an entry in ClinVar:

ClinVar aggregate classification (germline): Uncertain significance. Review status: criteria provided, multiple submitters, no conflicts (2 of 4 stars). 3 submissions from 3 submitters: Uncertain significance (3). Last evaluated 2025-03-17.

Conditions:
Inborn genetic diseases. Identifiers: MedGen C0950123, MeSH D030342.

gnomAD v4.1: 18 of 1,001,042 alleles (0.0018%); highest among the groups gnomAD compares: South Asian, 0.063%; no homozygotes.

Submissions (3):

Labcorp Genetics (formerly Invitae), Labcorp
Classification: Uncertain significance. Last evaluated: 2025-03-17. Review status: criteria provided, single submitter. Criteria: Invitae Variant Classification Sherloc (09022015). Collection method: clinical testing. Allele origin: germline.
Comment: This sequence change replaces lysine, which is basic and polar, with threonine, which is neutral and polar, at codon 16 of the KIAA1549 protein (p.Lys16Thr). The frequency data for this variant in the population databases is considered unreliable, as metrics indicate insufficient coverage at this position in the gnomAD database. This variant has not been reported in the literature in individuals affected with KIAA1549-related conditions. ClinVar contains an entry for this variant (Variation ID: 1471053). An algorithm developed to predict the effect of missense changes on protein structure and function (PolyPhen-2) suggests that this variant is likely to be tolerated. In summary, the available evidence is currently insufficient to determine the role of this variant in disease. Therefore, it has been classified as a Variant of Uncertain Significance.

Ambry Genetics
Classification: Uncertain significance for Inborn genetic diseases. Last evaluated: 2024-03-31. Review status: criteria provided, single submitter. Criteria: Ambry Variant Classification Scheme 2023. Collection method: clinical testing. Allele origin: germline.

Breakthrough Genomics
Classification: Uncertain significance. Review status: criteria provided, single submitter. Criteria: ACMG Guidelines, 2015. Collection method: not provided. Allele origin: germline. Inheritance: Autosomal recessive inheritance. Affected: yes.

NM_001164665.2(KIAA1549):c.47A>C (p.Lys16Thr)

Gene: KIAA1549 (KIAA1549; minus strand). Cytogenetic location: 7q34.
Variant type: single nucleotide variant.
Coding change: c.47A>C on transcript NM_001164665.2 (MANE Select); coding-DNA position 47, A replaced by C.
Protein change: p.Lys16Thr; replaces lysine 16 with threonine.
Molecular consequence: missense variant.
Genome position (GRCh38, 1-based): chr7:138,981,223, T>G on the plus strand (A>C on the coding strand, the complement: KIAA1549 is on the minus strand). VCF-style: chr7-138981223-T-G. GRCh37 (hg19) VCF-style: chr7-138665969-T-G.
Other names: c.47A>C, p.Lys16Thr (NM_020910.3); c.47A>C (NM_001164665.1); short protein forms K16T.
Identifiers: ClinVar variation 1471053 (VCV001471053.8), dbSNP rs1814542657, ClinGen allele CA369382587.